The following is an entry in ClinVar:

NM_007126.5(VCP):c.397G>C (p.Val133Leu)

Gene: VCP (valosin containing protein; minus strand). Cytogenetic location: 9p13.3.
Variant type: single nucleotide variant.
Coding change: c.397G>C on transcript NM_007126.5 (MANE Select); coding-DNA position 397, G replaced by C.
Protein change: p.Val133Leu; replaces valine 133 with leucine.
Molecular consequence: missense variant.
Genome position (GRCh38, 1-based): chr9:35,066,723, C>G on the plus strand (G>C on the coding strand, the complement: VCP is on the minus strand). VCF-style: chr9-35066723-C-G. GRCh37 (hg19) VCF-style: chr9-35066720-C-G.
Other names: c.262G>C, p.Val88Leu (NM_001354927.2, NM_001354928.2); short protein forms V133L, V88L.
Identifiers: ClinVar variation 4782513 (VCV004782513.1).
Genomic context (GRCh38, chr9:35,066,723, plus strand): 5'-ATTAGCTCTCACCTTTCCGGATGGGTCGATACGCTTCCAGGAAGTACGGCTTAAGGTATA[C>G]CTCGAAGAGATTACCAGTAATGCCTTCCACTGTGTCATCAATGGGCAGCACATGGATACG-3'
Protein context (NP_009057.1, residues 123-143): VEGITGNLFE[Val133Leu]YLKPYFLEAY

ClinVar aggregate classification (germline): Uncertain significance (1 of 4 stars; one submission).

Conditions:
Inclusion body myopathy with Paget disease of bone and frontotemporal dementia. Also called: Inclusion body myopathy with early-onset Paget disease and frontotemporal dementia. Identifiers: Orphanet 52430, MedGen C1833662, MONDO:0000507.
Frontotemporal dementia and/or amyotrophic lateral sclerosis 6 (FTDALS6). Also called: VCP-Related Amyotrophic Lateral Sclerosis; VCP-Related Amyotrophic Lateral Sclerosis/Frontotemporal Dementia. Identifiers: Orphanet 275872, Orphanet 803, MedGen C5436279, MONDO:0013501, OMIM 613954.

gnomAD v4.1: 1 of 1,614,146 alleles (0.000062%); no homozygotes.

Submission:

Labcorp Genetics (formerly Invitae), Labcorp
Classification: Uncertain significance for Inclusion body myopathy with Paget disease of bone and frontotemporal dementia; Frontotemporal dementia and/or amyotrophic lateral sclerosis 6. Last evaluated: 2025-10-14. Review status: criteria provided, single submitter. Criteria: Invitae Variant Classification Sherloc (09022015). Collection method: clinical testing. Allele origin: germline.
Comment: This sequence change replaces valine, which is neutral and non-polar, with leucine, which is neutral and non-polar, at codon 133 of the VCP protein (p.Val133Leu). This variant is present in population databases (no rsID available, gnomAD 0.0009%). This variant has not been reported in the literature in individuals affected with VCP-related conditions. Invitae Evidence Modeling of protein sequence and biophysical properties (such as structural, functional, and spatial information, amino acid conservation, physicochemical variation, residue mobility, and thermodynamic stability) indicates that this missense variant is not expected to disrupt VCP protein function with a negative predictive value of 80%. In summary, the available evidence is currently insufficient to determine the role of this variant in disease. Therefore, it has been classified as a Variant of Uncertain Significance.